The following is an entry in ClinVar:

ClinVar aggregate classification (germline): Likely benign (1 of 4 stars; one submission).

Allele frequency attached by ClinVar (database versions not stated): gnomAD 0.00188; TOPMed 0.00225; 1000 Genomes Project 0.00280; 1000 Genomes Project 30x 0.00344.
gnomAD v4.1: 379 of 233,614 alleles (0.16%); highest among the groups gnomAD compares: African/African-American, 0.69%; 3 homozygotes.

Submission:

CeGaT Center for Human Genetics Tuebingen
Classification: Likely benign. Last evaluated: 2022-12-01. Review status: criteria provided, single submitter. Criteria: CeGaT Center For Human Genetics Tuebingen Variant Classification Criteria Version 2. Collection method: clinical testing. Allele origin: germline. Affected: yes. Observed: 2 variant alleles.
Comment: TGFBR2: BS1

NM_003242.6(TGFBR2):c.*1886G>T

Gene: TGFBR2 (transforming growth factor beta receptor 2; plus strand). Cytogenetic location: 3p24.1.
Variant type: single nucleotide variant.
Coding change: c.*1886G>T on transcript NM_003242.6 (MANE Select); 1886 bases downstream of the stop codon, G replaced by T.
Molecular consequence: 3 prime UTR variant.
Genome position (GRCh38, 1-based): chr3:30,693,485, G>T. VCF-style: chr3-30693485-G-T. GRCh37 (hg19) VCF-style: chr3-30734977-G-T.
Other names: c.*1886G>T (NM_001024847.3, NM_001407126.1, NM_001407127.1 and 11 more transcripts).
Identifiers: ClinVar variation 344708 (VCV000344708.35), dbSNP rs11466535, ClinGen allele CA10618041.